The following is an entry in ClinVar:

ClinVar aggregate classification (germline): Conflicting classifications of pathogenicity. Review status: criteria provided, conflicting classifications (1 of 4 stars). 2 submissions from 2 submitters: Uncertain significance (1); Likely benign (1). Last evaluated 2025-11-12.

Conditions:
Neuroblastoma, susceptibility to, 3. Also called: ALK-Related Neuroblastic Tumor Susceptibility. Identifiers: Orphanet 635, MedGen C2751681, MONDO:0013083, OMIM 613014.
Hereditary cancer-predisposing syndrome. Also called: Tumor predisposition; Hereditary neoplastic syndrome; Neoplastic Syndromes, Hereditary; Hereditary Cancer Syndrome. Identifiers: Orphanet 140162, MedGen C0027672, MeSH D009386, MONDO:0015356.

gnomAD v4.1: 2 of 1,612,014 alleles (0.00012%); no homozygotes.

Submissions (2):

Labcorp Genetics (formerly Invitae), Labcorp
Classification: Likely benign for Neuroblastoma, susceptibility to, 3. Last evaluated: 2025-11-12. Review status: criteria provided, single submitter. Criteria: Invitae Variant Classification Sherloc (09022015). Collection method: clinical testing. Allele origin: germline.

Sema4
Classification: Uncertain significance for Hereditary cancer-predisposing syndrome. Last evaluated: 2021-09-23. Review status: criteria provided, single submitter. Criteria: Sema4 Curation Guidelines. Collection method: curation. Allele origin: germline.
Comment: The ALK c.3646-13T>C variant has not been reported in the literature to our knowledge. It was not observed in the large and broad cohorts of the Genome Aggregation Database (PMID: 32461654). This variant has not been reported in ClinVar. In silico tools suggest that the variant does not impact splicing, though these predictions have not been confirmed by functional studies. The evidence is insufficient to meet ACMG/AMP criteria for classifying the variant as benign or pathogenic. Thus, the clinical significance of this variant is currently uncertain.

NM_004304.5(ALK):c.3646-13T>C

Gene: ALK (ALK receptor tyrosine kinase; minus strand). Cytogenetic location: 2p23.2.
Variant type: single nucleotide variant.
Coding change: c.3646-13T>C on transcript NM_004304.5 (MANE Select); 13 bases into the intron before coding-DNA position 3646, T replaced by C.
Molecular consequence: intron variant.
Genome position (GRCh38, 1-based): chr2:29,214,094, A>G on the plus strand (T>C on the coding strand, the complement: ALK is on the minus strand). VCF-style: chr2-29214094-A-G. GRCh37 (hg19) VCF-style: chr2-29436960-A-G.
Other names: c.442-13T>C (NM_001353765.2).
Identifiers: ClinVar variation 1644881 (VCV001644881.9), dbSNP rs2148159628, ClinGen allele CA2573134527.